The following is an entry in ClinVar:

ClinVar aggregate classification (germline): Uncertain significance. Review status: criteria provided, multiple submitters, no conflicts (2 of 4 stars). 2 submissions from 2 submitters: Uncertain significance (2). Last evaluated 2024-04-29.

Conditions:
Ichthyosis linearis circumflexa. Identifiers: MedGen C0265962, MONDO:0043106, HP:0025810.

Allele frequency attached by ClinVar (database versions not stated): gnomAD 0.00001.
gnomAD v4.1: 30 of 1,613,688 alleles (0.0019%); highest among the groups gnomAD compares: Admixed American, 0.0017%; no homozygotes.

Submissions (2):

Labcorp Genetics (formerly Invitae), Labcorp
Classification: Uncertain significance for Ichthyosis linearis circumflexa. Last evaluated: 2024-04-29. Review status: criteria provided, single submitter. Criteria: Invitae Variant Classification Sherloc (09022015). Collection method: clinical testing. Allele origin: germline.
Comment: This sequence change falls in intron 32 of the SPINK5 gene. It does not directly change the encoded amino acid sequence of the SPINK5 protein. This variant is present in population databases (rs375728523, gnomAD 0.03%). This variant has not been reported in the literature in individuals affected with SPINK5-related conditions. ClinVar contains an entry for this variant (Variation ID: 843380). Algorithms developed to predict the effect of sequence changes on RNA splicing suggest that this variant may disrupt the consensus splice site. In summary, the available evidence is currently insufficient to determine the role of this variant in disease. Therefore, it has been classified as a Variant of Uncertain Significance.

Blueprint Genetics
Classification: Uncertain significance. Last evaluated: 2023-10-06. Review status: criteria provided, single submitter. Criteria: ACMG Guidelines, 2015. Collection method: clinical testing. Allele origin: germline.

NM_006846.4(SPINK5):c.3186+9A>G

Gene: SPINK5 (serine peptidase inhibitor Kazal type 5; plus strand). Cytogenetic location: 5q32.
Variant type: single nucleotide variant.
Coding change: c.3186+9A>G on transcript NM_006846.4 (MANE Select); 9 bases into the intron after coding-DNA position 3186, A replaced by G.
Molecular consequence: intron variant.
Genome position (GRCh38, 1-based): chr5:148,133,896, A>G. VCF-style: chr5-148133896-A-G. GRCh37 (hg19) VCF-style: chr5-147513459-A-G.
Other names: c.3276+9A>G (NM_001127698.2).
Identifiers: ClinVar variation 843380 (VCV000843380.11), dbSNP rs375728523, ClinGen allele CA3496273.